The following is an entry in ClinVar:

NM_001080517.3(SETD5):c.2446A>G (p.Ser816Gly)

Gene: SETD5 (SET domain containing 5; plus strand). Cytogenetic location: 3p25.3.
Variant type: single nucleotide variant.
Coding change: c.2446A>G on transcript NM_001080517.3 (MANE Select); coding-DNA position 2446, A replaced by G.
Protein change: p.Ser816Gly; replaces serine 816 with glycine.
Molecular consequence: missense variant.
Genome position (GRCh38, 1-based): chr3:9,453,838, A>G. VCF-style: chr3-9453838-A-G. GRCh37 (hg19) VCF-style: chr3-9495522-A-G.
Other names: c.2152A>G, p.Ser718Gly (NM_001292043.2, NM_001349451.2); short protein forms S718G, S816G.
Identifiers: ClinVar variation 1878684 (VCV001878684.1), dbSNP rs1322070071, ClinGen allele CA351703994.

ClinVar aggregate classification (germline): Uncertain significance (1 of 4 stars; one submission).

Allele frequency attached by ClinVar (database versions not stated): TOPMed below 0.00001; gnomAD 0.00001.
gnomAD v4.1: 1 of 1,597,380 alleles (0.000063%); highest among the groups gnomAD compares: Non-Finnish European, 0.000085%; no homozygotes.

Submission:

GeneDx
Classification: Uncertain significance. Last evaluated: 2022-07-14. Review status: criteria provided, single submitter. Criteria: GeneDx Variant Classification Process June 2021. Collection method: clinical testing. Allele origin: germline. Affected: yes.
Comment: Not observed at significant frequency in large population cohorts (gnomAD); In silico analysis supports that this missense variant does not alter protein structure/function; Has not been previously published as pathogenic or benign to our knowledge